The following is an entry in ClinVar:

ClinVar aggregate classification (germline): Uncertain significance (1 of 4 stars; one submission).

Conditions:
Hereditary cancer-predisposing syndrome. Also called: Tumor predisposition; Hereditary neoplastic syndrome; Neoplastic Syndromes, Hereditary; Hereditary Cancer Syndrome. Identifiers: Orphanet 140162, MedGen C0027672, MeSH D009386, MONDO:0015356.

Submission:

Ambry Genetics
Classification: Uncertain significance for Hereditary cancer-predisposing syndrome. Last evaluated: 2018-04-30. Review status: criteria provided, single submitter. Criteria: Ambry Variant Classification Scheme 2023. Collection method: clinical testing. Allele origin: germline.
Comment: The p.P411L variant (also known as c.1232C>T), located in coding exon 4 of the BARD1 gene, results from a C to T substitution at nucleotide position 1232. The proline at codon 411 is replaced by leucine, an amino acid with similar properties. This amino acid position is well conserved in available vertebrate species. In addition, the in silico prediction for this alteration is inconclusive. Since supporting evidence is limited at this time, the clinical significance of this alteration remains unclear.

NM_000465.4(BARD1):c.1232C>T (p.Pro411Leu)

Gene: BARD1 (BRCA1 associated RING domain 1; minus strand). Cytogenetic location: 2q35.
Variant type: single nucleotide variant.
Coding change: c.1232C>T on transcript NM_000465.4 (MANE Select); coding-DNA position 1232, C replaced by T.
Protein change: p.Pro411Leu; replaces proline 411 with leucine.
Molecular consequence: missense variant. On other transcripts: non-coding transcript variant (2), intron variant (3).
Genome position (GRCh38, 1-based): chr2:214,780,642, G>A on the plus strand (C>T on the coding strand, the complement: BARD1 is on the minus strand). VCF-style: chr2-214780642-G-A. GRCh37 (hg19) VCF-style: chr2-215645366-G-A.
Other names: c.1175C>T, p.Pro392Leu (NM_001282543.2); c.159-28087C>T (NM_001282548.2); c.215+16419C>T (NM_001282545.2); c.364+11655C>T (NM_001282549.2); short protein forms P411L, P392L.
Identifiers: ClinVar variation 818659 (VCV000818659.4), dbSNP rs1574816366, ClinGen allele CA350453626.